The following is an entry in ClinVar:

NM_017739.4(POMGNT1):c.1669dup (p.His557fs)

Genes: POMGNT1 (protein O-linked mannose N-acetylglucosaminyltransferase 1 (beta 1,2-); minus strand), TSPAN1 (tetraspanin 1; plus strand). Cytogenetic location: 1p34.1.
Variant type: Duplication.
Coding change: c.1669dup on transcript NM_017739.4 (MANE Select); coding-DNA position 1669, one base duplicated (C; older notation c.1669dupC).
Protein change: p.His557fs; shifts the reading frame from histidine 557.
Molecular consequence: frameshift variant.
Genome position (GRCh38, 1-based): chr1:46,189,970, G duplicated on the plus strand (C on the coding strand, the reverse complement: POMGNT1 is on the minus strand); the first of 2 consecutive G bases (chr1:46,189,970-46,189,971); duplicating either gives the same sequence. VCF-style (leftmost placement, unchanged base first): chr1-46189969-T-TG. GRCh37 (hg19) VCF-style: chr1-46655641-T-TG.
Other names: c.1669dup, p.His557fs (NM_001243766.2, NM_001410783.1); c.1602dup, p.His535Profs (NM_001290129.3); c.1240dup, p.His414fs (NM_001290130.2); short protein forms H414fs, H535fs, H557fs.
Identifiers: ClinVar variation 4060467 (VCV004060467.2).

ClinVar aggregate classification (germline): Likely pathogenic (1 of 4 stars; one submission).

Conditions:
Muscle eye brain disease (MEB). Also called: Santavuori congenital muscular dystrophy. Identifiers: Orphanet 588, Orphanet 899, MedGen C0457133, MONDO:0018939.

Submission:

Natera, Inc.
Classification: Likely pathogenic for Muscle-eye-brain disease. Last evaluated: 2025-02-18. Review status: criteria provided, single submitter. Criteria: Natera Variant Classification Schema (03/2026). Collection method: clinical testing. Allele origin: germline.
Comment: The c.1669dup variant in POMGNT1 is a frameshift variant predicted to shift the reading frame beginning at codon 557 and leads to a stop codon 7 codons downstream. This variant is expected to result in nonsense mediated decay, truncation, or a dysfunctional protein product. This variant is rare in the general population with a frequency below the threshold expected for the associated phenotype(s). Given the available evidence, this variant is classified as Likely Pathogenic.